The following is an entry in ClinVar:

NM_007294.4(BRCA1):c.5304C>G (p.Cys1768Trp)

Gene: BRCA1 (BRCA1 DNA repair associated; minus strand). Cytogenetic location: 17q21.31.
Variant type: single nucleotide variant.
Coding change: c.5304C>G on transcript NM_007294.4 (MANE Select); coding-DNA position 5304, C replaced by G.
Protein change: p.Cys1768Trp; replaces cysteine 1768 with tryptophan.
Molecular consequence: missense variant. On other transcripts: non-coding transcript variant (1).
Genome position (GRCh38, 1-based): chr17:43,051,091, G>C on the plus strand (C>G on the coding strand, the complement: BRCA1 is on the minus strand). VCF-style: chr17-43051091-G-C. GRCh37 (hg19) VCF-style: chr17-41203108-G-C.
Other names: c.5178C>G, p.Cys1726Trp (NM_001407677.1, NM_001407678.1, NM_001407679.1 and 10 more transcripts); c.5175C>G, p.Cys1725Trp (NM_001407681.1, NM_001407682.1, NM_001407683.1 and 6 more transcripts); c.5163C>G, p.Cys1721Trp (NM_001407695.1, NM_001407696.1, NM_001407697.1 and 13 more transcripts); c.5160C>G, p.Cys1720Trp (NM_001407739.1, NM_001407740.1, NM_001407741.1 and 21 more transcripts); c.5157C>G, p.Cys1719Trp (NM_001407844.1, NM_001407845.1, NM_001407846.1 and 12 more transcripts); c.5094C>G, p.Cys1698Trp (NM_001407879.1, NM_001407881.1, NM_001407882.1 and 5 more transcripts); c.5091C>G, p.Cys1697Trp (NM_001407894.1, NM_001407908.1, NM_001407909.1 and 12 more transcripts); c.5088C>G, p.Cys1696Trp (NM_001407915.1, NM_001407916.1, NM_001407917.1 and 1 more transcripts); and 72 more; short protein forms C1789W, C664W, C1721W, C1768W, C1680W, C1696W, C1720W, C1766W.
Identifiers: ClinVar variation 865286 (VCV000865286.3), dbSNP rs138493864, ClinGen allele CA10590940.
Genomic context (GRCh38, chr17:43,051,091, plus strand): 5'-GCTGGAACTCTGGGGTTCTCCCAGGCTCTTACCTGTGGGCATGTTGGTGAAGGGCCCATA[G>C]CAACAGATTTCTAGCCCCCTGAAGATCTGGAAGAAGAGAGGAAGAGAGAGGGACAGGGGA-3'
Protein context (NP_009225.1, residues 1758-1778): RKIFRGLEIC[Cys1768Trp]YGPFTNMPTD

Conditions:
Breast-ovarian cancer, familial, susceptibility to, 1 (BROVCA1). Also called: BRCA1 Hereditary Breast and Ovarian Cancer; OVARIAN CANCER, SUSCEPTIBILITY TO. Identifiers: Orphanet 145, MedGen C2676676, MONDO:0011450, OMIM 604370. Disease mechanism: loss of function.

Submission:

Brotman Baty Institute, University of Washington
No classification provided (evidence only). Condition: Breast-ovarian cancer, familial 1. Review status: no classification provided. Collection method: in vitro. Allele origin: not applicable. Functional consequence: functionally_abnormal.
ClinVar note: "not provided" was previously submitted as the classification for the variant. However, the classification appeared to be based only on an observation of functional data so it was converted to no classification on 2025-07-30.